The following is an entry in ClinVar:

NM_004836.7(EIF2AK3):c.3167A>T (p.Asp1056Val)

Genes: EIF2AK3 (eukaryotic translation initiation factor 2 alpha kinase 3; minus strand), EIF2AK3-AS1 (EIF2AK3 antisense RNA 1; plus strand). Cytogenetic location: 2p11.2.
Variant type: single nucleotide variant.
Coding change: c.3167A>T on transcript NM_004836.7 (MANE Select); coding-DNA position 3167, A replaced by T.
Protein change: p.Asp1056Val; replaces aspartic acid 1056 with valine.
Molecular consequence: missense variant.
Genome position (GRCh38, 1-based): chr2:88,557,920, T>A on the plus strand (A>T on the coding strand, the complement: EIF2AK3 is on the minus strand). VCF-style: chr2-88557920-T-A. GRCh37 (hg19) VCF-style: chr2-88857438-T-A.
Other names: c.2714A>T, p.Asp905Val (NM_001313915.2); short protein forms D905V, D1056V.
Identifiers: ClinVar variation 2189327 (VCV002189327.1), dbSNP rs757254462, ClinGen allele CA1754297.

ClinVar aggregate classification (germline): Uncertain significance (1 of 4 stars; one submission).

Allele frequency attached by ClinVar (database versions not stated): gnomAD exomes below 0.00001; TOPMed below 0.00001; ExAC 0.00001; gnomAD 0.00001.
gnomAD v4.1: 4 of 1,614,030 alleles (0.00025%); highest among the groups gnomAD compares: Admixed American, 0.0017%; no homozygotes.

Submission:

Labcorp Genetics (formerly Invitae), Labcorp
Classification: Uncertain significance. Last evaluated: 2022-04-25. Review status: criteria provided, single submitter. Criteria: Invitae Variant Classification Sherloc (09022015). Collection method: clinical testing. Allele origin: germline.
Comment: This sequence change replaces aspartic acid, which is acidic and polar, with valine, which is neutral and non-polar, at codon 1056 of the EIF2AK3 protein (p.Asp1056Val). This variant is present in population databases (rs757254462, gnomAD 0.003%). This variant has not been reported in the literature in individuals affected with EIF2AK3-related conditions. Algorithms developed to predict the effect of missense changes on protein structure and function (SIFT, PolyPhen-2, Align-GVGD) all suggest that this variant is likely to be tolerated. In summary, the available evidence is currently insufficient to determine the role of this variant in disease. Therefore, it has been classified as a Variant of Uncertain Significance.